The following is an entry in ClinVar:

NM_080732.4(EGLN2):c.427G>A (p.Glu143Lys)

Genes: EGLN2 (egl-9 family hypoxia inducible factor 2; plus strand), RAB4B-EGLN2 (RAB4B-EGLN2 readthrough (NMD candidate); plus strand). Cytogenetic location: 19q13.2.
Variant type: single nucleotide variant.
Coding change: c.427G>A on transcript NM_080732.4 (MANE Select); coding-DNA position 427, G replaced by A.
Protein change: p.Glu143Lys; replaces glutamic acid 143 with lysine.
Molecular consequence: missense variant. On other transcripts: non-coding transcript variant (1).
Genome position (GRCh38, 1-based): chr19:40,800,999, G>A. VCF-style: chr19-40800999-G-A. GRCh37 (hg19) VCF-style: chr19-41306904-G-A.
Other names: c.427G>A, p.Glu143Lys (NM_053046.4); short protein forms E143K.
Identifiers: ClinVar variation 1739332 (VCV001739332.2), dbSNP rs761099207, ClinGen allele CA9452213.

ClinVar aggregate classification (germline): Uncertain significance (1 of 4 stars; one submission).

Allele frequency attached by ClinVar (database versions not stated): gnomAD 0.00001; gnomAD exomes 0.00002; ExAC 0.00006.
gnomAD v4.1: 24 of 1,612,898 alleles (0.0015%); highest among the groups gnomAD compares: South Asian, 0.02%; no homozygotes.

Submission:

Ambry Genetics
Classification: Uncertain significance. Last evaluated: 2022-09-17. Review status: criteria provided, single submitter. Criteria: Ambry Variant Classification Scheme 2023. Collection method: clinical testing. Allele origin: germline.
Comment: The p.E143K variant (also known as c.427G>A), located in coding exon 1 of the EGLN2 gene, results from a G to A substitution at nucleotide position 427. The glutamic acid at codon 143 is replaced by lysine, an amino acid with similar properties. This amino acid position is conserved. In addition, this alteration is predicted to be tolerated by in silico analysis. Since supporting evidence is limited at this time, the clinical significance of this alteration remains unclear.